The following is an entry in ClinVar:

ClinVar aggregate classification (germline): Uncertain significance (1 of 4 stars; one submission).

Submission:

Laboratorio de Genetica e Diagnostico Molecular, Hospital Israelita Albert Einstein
Classification: Uncertain significance. Last evaluated: 2019-10-29. Review status: criteria provided, single submitter. Criteria: ACMG Guidelines, 2015. Collection method: clinical testing. Allele origin: germline. Affected: yes.
Comment: ACMG classification criteria: PM2, PP3

NM_001854.4(COL11A1):c.898-236A>G

Gene: COL11A1 (collagen type XI alpha 1 chain; minus strand). Cytogenetic location: 1p21.1.
Variant type: single nucleotide variant.
Coding change: c.898-236A>G on transcript NM_001854.4 (MANE Select); 236 bases into the intron before coding-DNA position 898, A replaced by G.
Molecular consequence: intron variant. On other transcripts: missense variant (1).
Genome position (GRCh38, 1-based): chr1:103,025,849, T>C on the plus strand (A>G on the coding strand, the complement: COL11A1 is on the minus strand). VCF-style: chr1-103025849-T-C. GRCh37 (hg19) VCF-style: chr1-103491405-T-C.
Other names: c.884A>G, p.Lys295Arg (NM_080629.3); c.781-236A>G (NM_001190709.2); c.897+367A>G (NM_080630.4); short protein forms K295R.
Identifiers: ClinVar variation 1690725 (VCV001690725.2), dbSNP rs2101963232, ClinGen allele CA341156030.